The following is an entry in ClinVar:

NM_001145026.2(PTPRQ):c.5606A>T (p.Gln1869Leu)

Gene: PTPRQ (protein tyrosine phosphatase receptor type Q; plus strand). Cytogenetic location: 12q21.31.
Variant type: single nucleotide variant.
Coding change: c.5606A>T on transcript NM_001145026.2 (MANE Select); coding-DNA position 5606, A replaced by T.
Protein change: p.Gln1869Leu; replaces glutamine 1869 with leucine.
Molecular consequence: missense variant.
Genome position (GRCh38, 1-based): chr12:80,620,370, A>T. VCF-style: chr12-80620370-A-T. GRCh37 (hg19) VCF-style: chr12-81014149-A-T.
Other names: short protein forms Q1869L.
Identifiers: ClinVar variation 5037084 (VCV005037084.1).
Genomic context (GRCh38, chr12:80,620,370, plus strand): 5'-CATGCATGATTCCTGGCAATGAAGACAAAATTTGCAATGGACCACTGAAACCAAAAAAGC[A>T]ATACTTGTAAGTATAGGTTATATCTACCATGCATTCTGTTAGCAAGCTAGTTAGTATCTT-3'
Protein context (NP_001138498.1, residues 1859-1879): ICNGPLKPKK[Gln1869Leu]YLFKFRATNI

ClinVar aggregate classification (germline): Uncertain significance (1 of 4 stars; one submission).

gnomAD v4.1: 5 of 1,548,896 alleles (0.00032%); highest among the groups gnomAD compares: Non-Finnish European, 0.00044%; no homozygotes.

Submission:

GeneDx
Classification: Uncertain significance. Last evaluated: 2026-04-16. Review status: criteria provided, single submitter. Criteria: GeneDx Variant Classification Process June 2021. Collection method: clinical testing. Allele origin: germline.
Comment: Not observed at significant frequency in large population cohorts (gnomAD); In silico analysis supports that this missense variant has a deleterious effect on protein structure/function; Has not been previously published as pathogenic or benign to our knowledge